The following is an entry in ClinVar:

NM_001135022.2(ELMOD3):c.217_221delinsTGACCACTGTACTTCTTGGGCTCTCAC (p.Val73_Arg74delinsTer)

Gene: ELMOD3 (ELMO domain containing 3; plus strand). Cytogenetic location: 2p11.2.
Variant type: Indel.
Coding change: c.217_221delinsTGACCACTGTACTTCTTGGGCTCTCAC on transcript NM_001135022.2 (MANE Select); coding-DNA positions 217 to 221, GTCAG replaced by TGACCACTGTACTTCTTGGGCTCTCAC.
Protein change: p.Val73_Arg74delinsTer.
Molecular consequence: nonsense. On other transcripts: frameshift variant (1), non-coding transcript variant (3).
Genome position (GRCh38, 1-based): chr2:85,368,703-85,368,707, GTCAG replaced by TGACCACTGTACTTCTTGGGCTCTCAC. VCF-style: chr2-85368703-GTCAG-TGACCACTGTACTTCTTGGGCTCTCAC. GRCh37 (hg19) VCF-style: chr2-85595826-GTCAG-TGACCACTGTACTTCTTGGGCTCTCAC.
Other names: c.217_221delinsTGACCACTGTACTTCTTGGGCTCTCAC, p.Val73_Arg74delinsTer (NM_001135021.2, NM_001135023.2, NM_001329791.2 and 2 more transcripts); c.217_221delGTCAGinsTGACCACTGTACTTCTTGGGCTCTCAC, p.Val73Terfs (NM_032213.5).
Identifiers: ClinVar variation 1914519 (VCV001914519.5), dbSNP rs2528883668, ClinGen allele CA2580068231.

ClinVar aggregate classification (germline): Uncertain significance (1 of 4 stars; one submission).

Submission:

Labcorp Genetics (formerly Invitae), Labcorp
Classification: Uncertain significance. Last evaluated: 2025-01-06. Review status: criteria provided, single submitter. Criteria: Invitae Variant Classification Sherloc (09022015). Collection method: clinical testing. Allele origin: germline.
Comment: This sequence change creates a premature translational stop signal (p.Val73*) in the ELMOD3 gene. It is expected to result in an absent or disrupted protein product. However, the current clinical and genetic evidence is not sufficient to establish whether loss-of-function variants in ELMOD3 cause disease. This variant is not present in population databases (gnomAD no frequency). This variant has not been reported in the literature in individuals affected with ELMOD3-related conditions. In summary, the available evidence is currently insufficient to determine the role of this variant in disease. Therefore, it has been classified as a Variant of Uncertain Significance.